The following is an entry in ClinVar:

ClinVar aggregate classification (germline): Uncertain significance (1 of 4 stars; one submission).

Conditions:
Sclerosteosis 2 (SOST2). Identifiers: Orphanet 3152, MedGen C3280402, MONDO:0013679, OMIM 614305.
Congenital myasthenic syndrome 17. Identifiers: Orphanet 590, MedGen C4225377, MONDO:0014578, OMIM 616304.
Cenani-Lenz syndactyly syndrome. Also called: SYNDACTYLY, TYPE VII; CENANI SYNDACTYLISM. Identifiers: Orphanet 3258, MedGen C1859309, MONDO:0008931, OMIM 212780.

Submission:

Labcorp Genetics (formerly Invitae), Labcorp
Classification: Uncertain significance for Cenani-Lenz syndactyly syndrome; Sclerosteosis 2; Congenital myasthenic syndrome 17. Last evaluated: 2022-08-17. Review status: criteria provided, single submitter. Criteria: Invitae Variant Classification Sherloc (09022015). Collection method: clinical testing. Allele origin: germline.
Comment: This sequence change replaces glycine, which is neutral and non-polar, with arginine, which is basic and polar, at codon 92 of the LRP4 protein (p.Gly92Arg). This variant is not present in population databases (gnomAD no frequency). This variant has not been reported in the literature in individuals affected with LRP4-related conditions. Algorithms developed to predict the effect of missense changes on protein structure and function are either unavailable or do not agree on the potential impact of this missense change (SIFT: "Deleterious"; PolyPhen-2: "Possibly Damaging"; Align-GVGD: "Class C15"). In summary, the available evidence is currently insufficient to determine the role of this variant in disease. Therefore, it has been classified as a Variant of Uncertain Significance.

NM_002334.4(LRP4):c.274G>C (p.Gly92Arg)

Gene: LRP4 (LDL receptor related protein 4; minus strand). Cytogenetic location: 11p11.2.
Variant type: single nucleotide variant.
Coding change: c.274G>C on transcript NM_002334.4 (MANE Select); coding-DNA position 274, G replaced by C.
Protein change: p.Gly92Arg; replaces glycine 92 with arginine.
Molecular consequence: missense variant.
Genome position (GRCh38, 1-based): chr11:46,900,304, C>G on the plus strand (G>C on the coding strand, the complement: LRP4 is on the minus strand). VCF-style: chr11-46900304-C-G. GRCh37 (hg19) VCF-style: chr11-46921855-C-G.
Other names: short protein forms G92R.
Identifiers: ClinVar variation 1716616 (VCV001716616.3), dbSNP rs754071316, ClinGen allele CA380290275.